The following is an entry in ClinVar:

NM_000059.4(BRCA2):c.10015A>G (p.Ile3339Val)

Gene: BRCA2 (BRCA2 DNA repair associated; plus strand). Cytogenetic location: 13q13.1.
Variant type: single nucleotide variant.
Coding change: c.10015A>G on transcript NM_000059.4 (MANE Select); coding-DNA position 10015, A replaced by G.
Protein change: p.Ile3339Val; replaces isoleucine 3339 with valine.
Molecular consequence: missense variant.
Genome position (GRCh38, 1-based): chr13:32,398,528, A>G. VCF-style: chr13-32398528-A-G. GRCh37 (hg19) VCF-style: chr13-32972665-A-G.
Other names: short protein forms I3339V.
Identifiers: ClinVar variation 483001 (VCV000483001.14), dbSNP rs768567428, ClinGen allele CA6941462.

ClinVar aggregate classification (germline): Uncertain significance. Review status: criteria provided, multiple submitters, no conflicts (2 of 4 stars). 2 submissions from 2 submitters: Uncertain significance (2). Last evaluated 2025-06-18.

Conditions:
Hereditary cancer-predisposing syndrome. Also called: Neoplastic Syndromes, Hereditary; Tumor predisposition; Hereditary Cancer Syndrome; Hereditary neoplastic syndrome. Identifiers: Orphanet 140162, MedGen C0027672, MeSH D009386, MONDO:0015356.
Hereditary breast ovarian cancer syndrome. Also called: Hereditary breast and ovarian cancer syndrome; Hereditary breast and ovarian cancer; Hereditary breast and ovarian cancer syndrome (HBOC); Breast and ovarian cancer; Hereditary breast and/or ovarian cancer syndrome; BRCA1- and BRCA2-Associated Hereditary Breast and Ovarian Cancer. Identifiers: Orphanet 145, MedGen C0677776, MeSH D061325, MONDO:0003582. Disease mechanism: loss of function.

Allele frequency attached by ClinVar (database versions not stated): gnomAD exomes below 0.00001; TOPMed below 0.00001; ExAC 0.00001; gnomAD 0.00001.
gnomAD v4.1: 3 of 1,614,090 alleles (0.00019%); highest among the groups gnomAD compares: East Asian, 0.0022%; no homozygotes.

Submissions (2):

Labcorp Genetics (formerly Invitae), Labcorp
Classification: Uncertain significance for Hereditary breast ovarian cancer syndrome. Last evaluated: 2025-06-18. Review status: criteria provided, single submitter. Criteria: Invitae Variant Classification Sherloc (09022015). Collection method: clinical testing. Allele origin: germline.
Comment: This sequence change replaces isoleucine, which is neutral and non-polar, with valine, which is neutral and non-polar, at codon 3339 of the BRCA2 protein (p.Ile3339Val). This variant is present in population databases (rs768567428, gnomAD 0.003%). This variant has not been reported in the literature in individuals affected with BRCA2-related conditions. ClinVar contains an entry for this variant (Variation ID: 483001). Invitae Evidence Modeling of protein sequence and biophysical properties (such as structural, functional, and spatial information, amino acid conservation, physicochemical variation, residue mobility, and thermodynamic stability) indicates that this missense variant is not expected to disrupt BRCA2 protein function with a negative predictive value of 95%. In summary, the available evidence is currently insufficient to determine the role of this variant in disease. Therefore, it has been classified as a Variant of Uncertain Significance.

Ambry Genetics
Classification: Uncertain significance for Hereditary cancer-predisposing syndrome. Last evaluated: 2016-02-10. Review status: criteria provided, single submitter. Criteria: Ambry Variant Classification Scheme 2023. Collection method: clinical testing. Allele origin: germline.
Comment: The p.I3339V variant (also known as c.10015A>G), located in coding exon 26 of the BRCA2 gene, results from an A to G substitution at nucleotide position 10015. The isoleucine at codon 3339 is replaced by valine, an amino acid with highly similar properties. This variant was not reported in population based cohorts in the following databases: Database of Single Nucleotide Polymorphisms (dbSNP), NHLBI Exome Sequencing Project (ESP), and 1000 Genomes Project. In the ESP, this variant was not observed in 6503 samples (13006 alleles) with coverage at this position. To date, this alteration has been detected with an allele frequency of approximately 0.0004% (greater than 225000 alleles tested) in our clinical cohort. This amino acid position is not conserved and valine is a reference amino acid in several species. In addition, this alteration is predicted to be tolerated by in silico analysis. Since supporting evidence is limited at this time, the clinical significance of this alteration remains unclear.